The following is an entry in ClinVar:

NM_000334.4(SCN4A):c.1166del (p.Tyr389fs)

Gene: SCN4A (sodium voltage-gated channel alpha subunit 4; minus strand). Cytogenetic location: 17q23.3.
Variant type: Deletion.
Coding change: c.1166del on transcript NM_000334.4 (MANE Select); coding-DNA position 1166, one base deleted (A; older notation c.1166delA).
Protein change: p.Tyr389fs; shifts the reading frame from tyrosine 389.
Molecular consequence: frameshift variant.
Genome position (GRCh38, 1-based): chr17:63,966,178, T deleted on the plus strand (A on the coding strand, the reverse complement: SCN4A is on the minus strand). VCF-style (leftmost placement, unchanged base first): chr17-63966177-AT-A. GRCh37 (hg19) VCF-style: chr17-62043537-AT-A.
Other names: short protein forms Y389fs.
Identifiers: ClinVar variation 3381979 (VCV003381979.3).
Genomic context (GRCh38, chr17:63,966,177, plus strand): 5'-CTCCCAATAGTCCTGTGTCATGAGGCGGAAGAGAGCCAAGAAGGCCCAGCTGAAGGTGTC[AT>A]AGCTGGTGTAGCCATAGTTGGGGTTCCGCCCGGTCTTGATGCACTCATAACCCTCAGGGC-3'

ClinVar aggregate classification (germline): Likely pathogenic (1 of 4 stars; one submission).

Conditions:
Congenital myopathy 22A, classic (CMYO22A). Identifiers: MedGen C5830453, MONDO:0957247, OMIM 620351.
Potassium-aggravated myotonia. Also called: MYOTONIA CONGENITA, ACETAZOLAMIDE-RESPONSIVE; MYOTONIA CONGENITA, ATYPICAL; SODIUM CHANNEL MUSCLE DISEASE; Myotonia congenita, atypical, acetazolamide-responsive. Identifiers: Orphanet 612, Orphanet 99734, Orphanet 99735, Orphanet 99736, MedGen C2931826, MONDO:0018959, OMIM 608390.
Paramyotonia congenita of Von Eulenburg. Also called: PARALYSIS PERIODICA PARAMYOTONICA; Eulenburg disease; Myotonia congenita intermittens; Von Eulenburg paramyotonia congenita; Paramyotonia Congenita. Identifiers: Orphanet 684, MedGen C0221055, MONDO:0008195, OMIM 168300. Disease mechanism: loss of function.
Hypokalemic periodic paralysis, type 2 (HOKPP2). Identifiers: Orphanet 681, MedGen C2750061, MONDO:0013234, OMIM 613345.
Hyperkalemic periodic paralysis. Also called: Gamstorp disease; Familial hyperkalemic periodic paralysis. Identifiers: Orphanet 682, MedGen C0238357, MONDO:0008224, OMIM 170500, HP:0007215.
Congenital myopathy 22B, severe fetal (CMYO22B). Identifiers: MedGen C5830501, MONDO:0957265, OMIM 620369.
Congenital myasthenic syndrome 16. Identifiers: Orphanet 590, MedGen C3280112, MONDO:0013620, OMIM 614198.

Submission:

Juno Genomics, Hangzhou Juno Genomics, Inc
Classification: Likely pathogenic for Congenital myopathy 22A, classic; Congenital myopathy 22B, severe fetal; Hyperkalemic periodic paralysis; Hypokalemic periodic paralysis, type 2; Congenital myasthenic syndrome 16; Potassium-aggravated myotonia; Paramyotonia congenita of Von Eulenburg. Review status: criteria provided, single submitter. Criteria: ACMG Guidelines, 2015. Collection method: clinical testing. Allele origin: germline.
Comment: Absent from controls (or at extremely low frequency if recessive) in Genome Aggregation Database.;Null variant in a gene where loss of function (LOF) is a known mechanism of disease.